The following is an entry in ClinVar:

ClinVar aggregate classification (germline): Likely benign (0 of 4 stars; one submission).

Conditions:
THBS1-related disorder. Also called: THBS1-related condition.

Allele frequency attached by ClinVar (database versions not stated): gnomAD exomes 0.00010; ExAC 0.00031; ESP Exome Variant Server 0.00085; gnomAD 0.00107; TOPMed 0.00112; 1000 Genomes Project 0.00120; 1000 Genomes Project 30x 0.00125.
gnomAD v4.1: 320 of 1,600,474 alleles (0.02%); highest among the groups gnomAD compares: African/African-American, 0.37%; no homozygotes.

Submission:

PreventionGenetics, part of Exact Sciences
Classification: Likely benign for THBS1-related condition. Last evaluated: 2019-11-25. Review status: no assertion criteria provided. Collection method: clinical testing. Allele origin: germline.
Comment: This variant is classified as likely benign based on ACMG/AMP sequence variant interpretation guidelines (Richards et al. 2015 PMID: 25741868, with internal and published modifications).

NM_003246.4(THBS1):c.2853C>T (p.Asp951=)

Gene: THBS1 (thrombospondin 1; plus strand). Cytogenetic location: 15q14.
Variant type: single nucleotide variant.
Coding change: c.2853C>T on transcript NM_003246.4 (MANE Select); coding-DNA position 2853, C replaced by T.
Protein change: p.Asp951=; no amino-acid change (aspartic acid 951 retained).
Molecular consequence: synonymous variant.
Genome position (GRCh38, 1-based): chr15:39,593,085, C>T. VCF-style: chr15-39593085-C-T. GRCh37 (hg19) VCF-style: chr15-39885286-C-T.
Identifiers: ClinVar variation 3048631 (VCV003048631.2), dbSNP rs115857092, ClinGen allele CA7472334.